The following is an entry in ClinVar:

ClinVar aggregate classification (germline): Uncertain significance (1 of 4 stars; one submission).

Conditions:
Familial hypercholesterolemia. Also called: Familial hypercholesterolaemia. Identifiers: MedGen C0020445, MONDO:0005439.

gnomAD v4.1: 13 of 1,607,934 alleles (0.00081%); highest among the groups gnomAD compares: South Asian, 0.0058%; no homozygotes.

Submission:

Cambridge Genomics Laboratory, East Genomic Laboratory Hub, NHS Genomic Medicine Service
Classification: Uncertain significance for Familial hypercholesterolaemia. Last evaluated: 2025-05-29. Review status: criteria provided, single submitter. Criteria: ACGS Best Practice Guidelines for Variant Classification in Rare Disease 2020. Collection method: clinical testing. Allele origin: germline. Affected: yes.
Comment: PM2

NM_000041.4(APOE):c.237-17C>T

Gene: APOE (apolipoprotein E; plus strand). Cytogenetic location: 19q13.32.
Variant type: single nucleotide variant.
Coding change: c.237-17C>T on transcript NM_000041.4 (MANE Select); 17 bases into the intron before coding-DNA position 237, C replaced by T.
Molecular consequence: intron variant.
Genome position (GRCh38, 1-based): chr19:44,908,516, C>T. VCF-style: chr19-44908516-C-T. GRCh37 (hg19) VCF-style: chr19-45411773-C-T.
Other names: c.315-17C>T (NM_001302688.2); c.237-17C>T (NM_001302691.2, NM_001302689.2, NM_001302690.2).
Identifiers: ClinVar variation 4683167 (VCV004683167.1).
Genomic context (GRCh38, chr19:44,908,516, plus strand): 5'-CCCCATCTCGCCCGCCCCATCCCAGCCCTTCTCCCCGCCTCCCACTGTGCGACACCCTCC[C>T]GCCCTCTCGGCCGCAGGGCGCTGATGGACGAGACCATGAAGGAGTTGAAGGCCTACAAAT-3'